The following is an entry in ClinVar:

ClinVar aggregate classification (germline): Likely benign (0 of 4 stars; one submission).

Conditions:
PLXNA2-related disorder. Also called: PLXNA2-related condition.

gnomAD v4.1: 15 of 1,613,412 alleles (0.00093%); highest among the groups gnomAD compares: Non-Finnish European, 0.0013%; no homozygotes.

Submission:

PreventionGenetics, part of Exact Sciences
Classification: Likely benign for PLXNA2-related condition. Last evaluated: 2023-06-26. Review status: no assertion criteria provided. Collection method: clinical testing. Allele origin: germline.
Comment: This variant is classified as likely benign based on ACMG/AMP sequence variant interpretation guidelines (Richards et al. 2015 PMID: 25741868, with internal and published modifications).

NM_025179.4(PLXNA2):c.3496-5T>C

Gene: PLXNA2 (plexin A2; minus strand). Cytogenetic location: 1q32.2.
Variant type: single nucleotide variant.
Coding change: c.3496-5T>C on transcript NM_025179.4 (MANE Select); 5 bases into the intron before coding-DNA position 3496, T replaced by C.
Molecular consequence: intron variant.
Genome position (GRCh38, 1-based): chr1:208,045,215, A>G on the plus strand (T>C on the coding strand, the complement: PLXNA2 is on the minus strand). VCF-style: chr1-208045215-A-G. GRCh37 (hg19) VCF-style: chr1-208218560-A-G.
Identifiers: ClinVar variation 3351395 (VCV003351395.1).
Genomic context (GRCh38, chr1:208,045,215, plus strand): 5'-AGCACAGTGTAGTTGAGTTTGGCCCCTCCAGAGGCAGGAGGGCAGAGGTTTTTGCCCTGT[A>G]GAGAATAGCAGTCTTTATAGGCATAATTGACACATGCACGCACAAGTTAATTGCCTACTT-3'